The following is an entry in ClinVar:

NM_000245.4(MET):c.54G>T (p.Leu18Phe)

Gene: MET (MET proto-oncogene, receptor tyrosine kinase; plus strand). Cytogenetic location: 7q31.2.
Variant type: single nucleotide variant.
Coding change: c.54G>T on transcript NM_000245.4 (MANE Select); coding-DNA position 54, G replaced by T.
Protein change: p.Leu18Phe; replaces leucine 18 with phenylalanine.
Molecular consequence: missense variant. On other transcripts: intron variant (1).
Genome position (GRCh38, 1-based): chr7:116,699,138, G>T. VCF-style: chr7-116699138-G-T. GRCh37 (hg19) VCF-style: chr7-116339192-G-T.
Other names: c.54G>T, p.Leu18Phe (NM_001324401.3, NM_001127500.3); c.-91+26561G>T (NM_001324402.2); short protein forms L18F.
Identifiers: ClinVar variation 3294301 (VCV003294301.1).

ClinVar aggregate classification (germline): Uncertain significance (1 of 4 stars; one submission).

Conditions:
Hereditary cancer-predisposing syndrome. Also called: Tumor predisposition; Hereditary Cancer Syndrome; Hereditary neoplastic syndrome; Neoplastic Syndromes, Hereditary. Identifiers: Orphanet 140162, MedGen C0027672, MeSH D009386, MONDO:0015356.

Submission:

Ambry Genetics
Classification: Uncertain significance for Hereditary cancer-predisposing syndrome. Last evaluated: 2024-06-03. Review status: criteria provided, single submitter. Criteria: Ambry Variant Classification Scheme 2023. Collection method: clinical testing. Allele origin: germline.
Comment: The p.L18F variant (also known as c.54G>T), located in coding exon 1 of the MET gene, results from a G to T substitution at nucleotide position 54. The leucine at codon 18 is replaced by phenylalanine, an amino acid with highly similar properties. This amino acid position is well conserved in available vertebrate species. In addition, this alteration is predicted to be tolerated by in silico analysis. Based on the available evidence, the clinical significance of this variant remains unclear.